The following is an entry in ClinVar:

NM_019844.4(SLCO1B3):c.264A>C (p.Gly88=)

Genes: SLCO1B3 (solute carrier organic anion transporter family member 1B3; plus strand), SLCO1B3-SLCO1B7 (SLCO1B3-SLCO1B7 readthrough; plus strand). Cytogenetic location: 12p12.2.
Variant type: single nucleotide variant.
Coding change: c.264A>C on transcript NM_019844.4 (MANE Select); coding-DNA position 264, A replaced by C.
Protein change: p.Gly88=; no amino-acid change (glycine 88 retained).
Molecular consequence: synonymous variant.
Genome position (GRCh38, 1-based): chr12:20,858,476, A>C. VCF-style: chr12-20858476-A-C. GRCh37 (hg19) VCF-style: chr12-21011410-A-C.
Other names: c.264A>C, p.Gly88= (NM_001371097.1); c.180A>C, p.Gly60= (NM_001349920.2).
Identifiers: ClinVar variation 1330853 (VCV001330853.9), dbSNP rs374616195, ClinGen allele CA6475122.

ClinVar aggregate classification (germline): Likely benign. Review status: criteria provided, single submitter (1 of 4 stars). 2 submissions from 2 submitters: Likely benign (1). 1 of the submissions does not count toward it. Last evaluated 2020-11-18.

Conditions:
Rotor syndrome (HBLRR). Also called: HYPERBILIRUBINEMIA, ROTOR TYPE; HYPERBILIRUBINEMIA, ROTOR TYPE, DIGENIC. Identifiers: Orphanet 3111, MedGen C0220991, MONDO:0009379, OMIM 237450.
SLCO1B3-related disorder. Also called: SLCO1B3-related condition.

Allele frequency attached by ClinVar (database versions not stated): gnomAD 0.00002 and 0.00009; ExAC 0.00008; gnomAD exomes 0.00009; 1000 Genomes Project 0.00080; 1000 Genomes Project 30x 0.00141.
gnomAD v4.1: 66 of 1,595,320 alleles (0.0041%); highest among the groups gnomAD compares: East Asian, 0.038%; 1 homozygote.

Submissions (2):

ARUP Laboratories, Molecular Genetics and Genomics, ARUP Laboratories
Classification: Likely benign for Rotor syndrome. Last evaluated: 2020-11-18. Review status: criteria provided, single submitter. Criteria: ARUP Molecular Germline Variant Investigation Process 2021. Collection method: clinical testing. Allele origin: germline.

PreventionGenetics, part of Exact Sciences
Classification: Likely benign for SLCO1B3-related condition. Last evaluated: 2021-10-18. Review status: no assertion criteria provided. Collection method: clinical testing. Allele origin: germline. Not counted in ClinVar's aggregate classification.
Comment: This variant is classified as likely benign based on ACMG/AMP sequence variant interpretation guidelines (Richards et al. 2015 PMID: 25741868, with internal and published modifications).